The following is an entry in ClinVar:

ClinVar aggregate classification (germline): Uncertain significance (1 of 4 stars; one submission).

Conditions:
Inborn genetic diseases. Identifiers: MedGen C0950123, MeSH D030342.

Submission:

Ambry Genetics
Classification: Uncertain significance for Inborn genetic diseases. Last evaluated: 2025-06-21. Review status: criteria provided, single submitter. Criteria: Ambry Variant Classification Scheme 2023. Collection method: clinical testing. Allele origin: germline.
Comment: The p.L128H variant (also known as c.383T>A), located in coding exon 3 of the MBD4 gene, results from a T to A substitution at nucleotide position 383. The leucine at codon 128 is replaced by histidine, an amino acid with similar properties. This amino acid position is conserved. In addition, this alteration is predicted to be deleterious by in silico analysis. Based on the available evidence, the clinical significance of this variant remains unclear.

NM_001276270.2(MBD4):c.383T>A (p.Leu128His)

Gene: MBD4 (methyl-CpG binding domain 4, DNA glycosylase; minus strand). Cytogenetic location: 3q21.3.
Variant type: single nucleotide variant.
Coding change: c.383T>A on transcript NM_001276270.2 (MANE Select); coding-DNA position 383, T replaced by A.
Protein change: p.Leu128His; replaces leucine 128 with histidine.
Molecular consequence: missense variant. On other transcripts: intron variant (1).
Genome position (GRCh38, 1-based): chr3:129,437,261, A>T on the plus strand (T>A on the coding strand, the complement: MBD4 is on the minus strand). VCF-style: chr3-129437261-A-T. GRCh37 (hg19) VCF-style: chr3-129156104-A-T.
Other names: c.383T>A, p.Leu128His (NM_001276271.2, NM_001276272.2, NM_003925.3); c.247+547T>A (NM_001276273.2); short protein forms L128H.
Identifiers: ClinVar variation 4104593 (VCV004104593.1).